The following is an entry in ClinVar:

ClinVar aggregate classification (germline): Benign. Review status: criteria provided, multiple submitters, no conflicts (2 of 4 stars). 5 submissions from 5 submitters: Benign (5). Last evaluated 2026-02-04.

Conditions:
Fraser syndrome 1 (FRASRS1). Also called: CRYPTOPHTHALMOS WITH OTHER MALFORMATIONS. Identifiers: Orphanet 2052, MedGen C4551480, MONDO:0054737, OMIM 219000.

Allele frequency attached by ClinVar (database versions not stated): 1000 Genomes Project 0.02436; ESP Exome Variant Server 0.05959; gnomAD 0.05520 and 0.05675; gnomAD exomes 0.05751 and 0.07599; TOPMed 0.04941; 1000 Genomes Project 30x 0.02467; ExAC 0.05829.
gnomAD v4.1: 118,706 of 1,613,782 alleles (7.4%); highest among the groups gnomAD compares: Non-Finnish European, 8.6%; 5,030 homozygotes.

Submissions (5):

Labcorp Genetics (formerly Invitae), Labcorp
Classification: Benign. Last evaluated: 2026-02-04. Review status: criteria provided, single submitter. Criteria: Invitae Variant Classification Sherloc (09022015). Collection method: clinical testing. Allele origin: germline.

Mayo Clinic Laboratories, Mayo Clinic
Classification: Benign. Last evaluated: 2022-03-09. Review status: criteria provided, single submitter. Criteria: ACMG Guidelines, 2015. Collection method: clinical testing. Allele origin: germline. Observed: 8 variant alleles.

Illumina Laboratory Services, Illumina
Classification: Benign for Fraser syndrome 1. Last evaluated: 2018-01-12. Review status: criteria provided, single submitter. Criteria: ICSL Variant Classification Criteria 13 December 2019. Collection method: clinical testing. Allele origin: germline.
Comment: This variant was observed in the ICSL laboratory as part of a predisposition screen in an ostensibly healthy population. It had not been previously curated by ICSL or reported in the Human Gene Mutation Database (HGMD: prior to June 1st, 2018), and was therefore a candidate for classification through an automated scoring system. Utilizing variant allele frequency, disease prevalence and penetrance estimates, and inheritance mode, an automated score was calculated to assess if this variant is too frequent to cause the disease. Based on the score and internal cut-off values, a variant classified as benign is not then subjected to further curation. The score for this variant resulted in a classification of benign for this disease.

Breakthrough Genomics
Classification: Benign. Review status: criteria provided, single submitter. Criteria: ACMG Guidelines, 2015. Collection method: not provided. Allele origin: germline. Inheritance: Autosomal recessive inheritance. Affected: yes.

PreventionGenetics, part of Exact Sciences
Classification: Benign. Review status: criteria provided, single submitter. Criteria: ACMG Guidelines, 2015. Collection method: clinical testing. Allele origin: germline.

NM_025074.7(FRAS1):c.6924C>T (p.Val2308=)

Gene: FRAS1 (Fraser extracellular matrix complex subunit 1; plus strand). Cytogenetic location: 4q21.21.
Variant type: single nucleotide variant.
Coding change: c.6924C>T on transcript NM_025074.7 (MANE Select); coding-DNA position 6924, C replaced by T.
Protein change: p.Val2308=; no amino-acid change (valine 2308 retained).
Molecular consequence: synonymous variant.
Genome position (GRCh38, 1-based): chr4:78,464,478, C>T. VCF-style: chr4-78464478-C-T. GRCh37 (hg19) VCF-style: chr4-79385632-C-T.
Other names: p.Val2308=.
Identifiers: ClinVar variation 261810 (VCV000261810.15), dbSNP rs13123710, ClinGen allele CA2977932.